The following is an entry in ClinVar:

NM_032539.5(SLITRK2):c.912G>A (p.Pro304=)

Gene: SLITRK2 (SLIT and NTRK like family member 2; plus strand). Cytogenetic location: Xq27.3.
Variant type: single nucleotide variant.
Coding change: c.912G>A on transcript NM_032539.5 (MANE Select); coding-DNA position 912, G replaced by A.
Protein change: p.Pro304=; no amino-acid change (proline 304 retained).
Molecular consequence: synonymous variant.
Genome position (GRCh38, 1-based): chrX:145,823,337, G>A. VCF-style: chrX-145823337-G-A. GRCh37 (hg19) VCF-style: chrX-144904855-G-A.
Other names: c.912G>A, p.Pro304= (NM_001144003.3, NM_001144004.3, NM_001144005.3 and 4 more transcripts).
Identifiers: ClinVar variation 4821085 (VCV004821085.4).

ClinVar aggregate classification (germline): Likely benign (1 of 4 stars; one submission).

gnomAD v4.1: 14 of 1,208,820 alleles (0.0012%); highest among the groups gnomAD compares: African/African-American, 0.0053%; no homozygotes.

Submission:

CeGaT Center for Human Genetics Tuebingen
Classification: Likely benign. Last evaluated: 2026-03-01. Review status: criteria provided, single submitter. Criteria: CeGaT Center For Human Genetics Tuebingen Variant Classification Criteria Version 2. Collection method: clinical testing. Allele origin: germline. Affected: yes. Observed: 1 variant allele.
Comment: SLITRK2: BP4, BP7, BS2